The following is an entry in ClinVar:

NM_001080477.4(TENM3):c.8053G>A (p.Ala2685Thr)

Gene: TENM3 (teneurin transmembrane protein 3; plus strand). Cytogenetic location: 4q35.1.
Variant type: single nucleotide variant.
Coding change: c.8053G>A on transcript NM_001080477.4 (MANE Select); coding-DNA position 8053, G replaced by A.
Protein change: p.Ala2685Thr; replaces alanine 2685 with threonine.
Molecular consequence: missense variant.
Genome position (GRCh38, 1-based): chr4:182,800,304, G>A. VCF-style: chr4-182800304-G-A. GRCh37 (hg19) VCF-style: chr4-183721457-G-A.
Other names: short protein forms A2685T.
Identifiers: ClinVar variation 1031043 (VCV001031043.1), dbSNP rs761695007, ClinGen allele CA3149059.

ClinVar aggregate classification (germline): Uncertain significance (1 of 4 stars; one submission).

Conditions:
Microphthalmia, isolated, with coloboma 9 (MCOPCB9). Identifiers: Orphanet 98938, MedGen C3554592, MONDO:0014059, OMIM 615145.

Allele frequency attached by ClinVar (database versions not stated): gnomAD 0.00001; gnomAD exomes 0.00001 and 0.00004; TOPMed 0.00001; ExAC 0.00005.
gnomAD v4.1: 11 of 1,594,172 alleles (0.00069%); highest among the groups gnomAD compares: Admixed American, 0.013%; no homozygotes.

Submission:

Baylor Genetics
Classification: Uncertain significance for Microphthalmia, isolated, with coloboma 9. Last evaluated: 2019-02-15. Review status: criteria provided, single submitter. Criteria: ACMG Guidelines, 2015. Collection method: clinical testing. Allele origin: unknown. Affected: yes.
Comment: This variant was determined to be of uncertain significance according to ACMG Guidelines, 2015 [PMID:25741868].